The following is an entry in ClinVar:

ClinVar aggregate classification (germline): Uncertain significance. Review status: criteria provided, multiple submitters, no conflicts (2 of 4 stars). 2 submissions from 2 submitters: Uncertain significance (2). Last evaluated 2024-11-20.

Conditions:
Inborn genetic diseases. Identifiers: MedGen C0950123, MeSH D030342.

Allele frequency attached by ClinVar (database versions not stated): ExAC 0.00001; gnomAD exomes 0.00001; TOPMed 0.00001.
gnomAD v4.1: 3 of 1,613,234 alleles (0.00019%); highest among the groups gnomAD compares: Admixed American, 0.0017%; no homozygotes.

Submissions (2):

Ambry Genetics
Classification: Uncertain significance for Inborn genetic diseases. Last evaluated: 2024-11-20. Review status: criteria provided, single submitter. Criteria: Ambry Variant Classification Scheme 2023. Collection method: clinical testing. Allele origin: germline.

GeneDx
Classification: Uncertain significance. Last evaluated: 2023-02-09. Review status: criteria provided, single submitter. Criteria: GeneDx Variant Classification Process June 2021. Collection method: clinical testing. Allele origin: germline. Affected: yes.
Comment: Not observed at significant frequency in large population cohorts (gnomAD); In silico analysis supports that this missense variant has a deleterious effect on protein structure/function; Has not been previously published as pathogenic or benign to our knowledge

NM_019023.5(PRMT7):c.751G>A (p.Asp251Asn)

Gene: PRMT7 (protein arginine methyltransferase 7; plus strand). Cytogenetic location: 16q22.1.
Variant type: single nucleotide variant.
Coding change: c.751G>A on transcript NM_019023.5 (MANE Select); coding-DNA position 751, G replaced by A.
Protein change: p.Asp251Asn; replaces aspartic acid 251 with asparagine.
Molecular consequence: missense variant. On other transcripts: non-coding transcript variant (12).
Genome position (GRCh38, 1-based): chr16:68,339,792, G>A. VCF-style: chr16-68339792-G-A. GRCh37 (hg19) VCF-style: chr16-68373695-G-A.
Other names: c.601G>A, p.Asp201Asn (NM_001184824.4); c.751G>A, p.Asp251Asn (NM_001290018.2, NM_001351143.3, NM_001351144.3 and 1 more transcripts); c.544G>A, p.Asp182Asn (NM_001378020.1); c.514G>A, p.Asp172Asn (NM_001378021.1, NM_001378022.1, NM_001378023.1); short protein forms D172N, D182N, D201N, D251N.
Identifiers: ClinVar variation 2575544 (VCV002575544.2), dbSNP rs770775042, ClinGen allele CA8127217.
Genomic context (GRCh38, chr16:68,339,792, plus strand): 5'-AAAAATGGAGTGTGTGAGGTTAAACTCTGCTTACATTCTTGAATATTATTCCTCAGCATA[G>A]ACTTCAGCAAGCAAGTCAGTAGCTCAGCAGCCTGCCATAGCAGGCGGTTTGAACCTCTGA-3'
Protein context (NP_061896.1, residues 241-261): LSDVLPMFSI[Asp251Asn]FSKQVSSSAA